The following is an entry in ClinVar:

ClinVar aggregate classification (germline): Benign (1 of 4 stars; one submission).

Conditions:
Peutz-Jeghers syndrome (PJS). Also called: POLYPOSIS, HAMARTOMATOUS INTESTINAL; POLYPS-AND-SPOTS SYNDROME; Peutz-Jeghers polyposis; Periorificial lentiginosis syndrome. Identifiers: Orphanet 2869, MedGen C0031269, MeSH D010580, MONDO:0008280, OMIM 175200.

gnomAD v4.1: 1 of 1,603,842 alleles (0.000062%); highest among the groups gnomAD compares: South Asian, 0.0011%; no homozygotes.

Submission:

Myriad Genetics, Inc.
Classification: Benign for Peutz-Jeghers syndrome. Last evaluated: 2025-03-26. Review status: criteria provided, single submitter. Criteria: Myriad Autosomal Dominant, Autosomal Recessive and X-Linked Classification Criteria (2023). Collection method: clinical testing. Allele origin: unknown.
Comment: This variant is considered benign. This variant is a silent/synonymous amino acid change and it is not expected to impact splicing.

NM_000455.5(STK11):c.588C>A (p.Gly196=)

Gene: STK11 (serine/threonine kinase 11; plus strand). Cytogenetic location: 19p13.3.
Variant type: single nucleotide variant.
Coding change: c.588C>A on transcript NM_000455.5 (MANE Select); coding-DNA position 588, C replaced by A.
Protein change: p.Gly196=; no amino-acid change (glycine 196 retained).
Molecular consequence: synonymous variant. On other transcripts: non-coding transcript variant (1).
Genome position (GRCh38, 1-based): chr19:1,220,496, C>A. VCF-style: chr19-1220496-C-A. GRCh37 (hg19) VCF-style: chr19-1220495-C-A.
Other names: c.588C>A, p.Gly196= (NM_001407255.1).
Identifiers: ClinVar variation 3904024 (VCV003904024.1).
Genomic context (GRCh38, chr19:1,220,496, plus strand): 5'-CATCAAGCCGGGGAACCTGCTGCTCACCACCGGTGGCACCCTCAAAATCTCCGACCTGGG[C>A]GTGGCCGAGGTAGGCACGTGCTAGGGGGGGCCCTGGGGCGCCCCCTCCCGGGCACTCCCT-3'
Protein context (NP_000446.1, residues 186-206): TGGTLKISDL[Gly196=]VAEALHPFAA